The following is an entry in ClinVar:

ClinVar aggregate classification (germline): Uncertain significance (1 of 4 stars; one submission).

Conditions:
Norman-Roberts syndrome (LIS2). Also called: Lissencephaly 2 (Norman-Roberts type). Identifiers: Orphanet 89844, MedGen C0796089, MONDO:0009760, OMIM 257320.
Familial temporal lobe epilepsy 7. Identifiers: Orphanet 101046, MedGen C4225327, MONDO:0014639, OMIM 616436.

gnomAD v4.1: 3 of 1,607,772 alleles (0.00019%); highest among the groups gnomAD compares: East Asian, 0.0067%; no homozygotes.

Submission:

Labcorp Genetics (formerly Invitae), Labcorp
Classification: Uncertain significance for Familial temporal lobe epilepsy 7; Norman-Roberts syndrome. Last evaluated: 2025-06-24. Review status: criteria provided, single submitter. Criteria: Invitae Variant Classification Sherloc (09022015). Collection method: clinical testing. Allele origin: germline.
Comment: This sequence change replaces proline, which is neutral and non-polar, with alanine, which is neutral and non-polar, at codon 972 of the RELN protein (p.Pro972Ala). This variant is present in population databases (rs751342008, gnomAD 0.006%). This missense change has been observed in individual(s) with juvenile absence epilepsy (PMID: 37625192). Invitae Evidence Modeling of protein sequence and biophysical properties (such as structural, functional, and spatial information, amino acid conservation, physicochemical variation, residue mobility, and thermodynamic stability) indicates that this missense variant is not expected to disrupt RELN protein function with a negative predictive value of 80%. Experimental studies have shown that this missense change affects RELN function (PMID: 37625192). In summary, the available evidence is currently insufficient to determine the role of this variant in disease. Therefore, it has been classified as a Variant of Uncertain Significance.

Literature cited by the submitters: PubMed 37625192.

NM_005045.4(RELN):c.2914C>G (p.Pro972Ala)

Gene: RELN (reelin; minus strand). Cytogenetic location: 7q22.1.
Variant type: single nucleotide variant.
Coding change: c.2914C>G on transcript NM_005045.4 (MANE Select); coding-DNA position 2914, C replaced by G.
Protein change: p.Pro972Ala; replaces proline 972 with alanine.
Molecular consequence: missense variant.
Genome position (GRCh38, 1-based): chr7:103,610,789, G>C on the plus strand (C>G on the coding strand, the complement: RELN is on the minus strand). VCF-style: chr7-103610789-G-C. GRCh37 (hg19) VCF-style: chr7-103251236-G-C.
Other names: c.2914C>G, p.Pro972Ala (NM_173054.3); short protein forms P972A.
Identifiers: ClinVar variation 4792286 (VCV004792286.1).